The following is an entry in ClinVar:

NM_000179.3(MSH6):c.3633dup (p.Val1212fs)

Gene: MSH6 (mutS homolog 6; plus strand). Cytogenetic location: 2p16.3.
Variant type: Duplication.
Coding change: c.3633dup on transcript NM_000179.3 (MANE Select); coding-DNA position 3633, one base duplicated (T; older notation c.3633dupT).
Protein change: p.Val1212fs; shifts the reading frame from valine 1212.
Molecular consequence: frameshift variant.
Genome position (GRCh38, 1-based): chr2:47,805,694, T duplicated; the last of 2 consecutive T bases (chr2:47,805,693-47,805,694); duplicating either gives the same sequence. VCF-style (leftmost placement, unchanged base first): chr2-47805692-C-CT. GRCh37 (hg19) VCF-style: chr2-48032831-C-CT.
Other names: c.3243dup, p.Val1082fs (NM_001281492.2); c.2727dup, p.Val910fs (NM_001281493.2, NM_001281494.2); c.3633dupT (NM_000179.2); short protein forms V1212fs, V910fs, V1082fs.
Identifiers: ClinVar variation 8941 (VCV000008941.27), dbSNP rs587776706, ClinGen allele CA340847.

ClinVar aggregate classification (germline): Pathogenic. Review status: criteria provided, multiple submitters, no conflicts (2 of 4 stars). 10 submissions from 10 submitters: Pathogenic (8). 2 of the submissions do not count toward it. Last evaluated 2026-07-29.

Conditions:
Inherited polyposis and early onset colorectal cancer - germline testing.
Hereditary nonpolyposis colorectal neoplasms. Identifiers: MedGen C0009405, MeSH D003123.
Hereditary cancer-predisposing syndrome. Also called: Hereditary neoplastic syndrome; Neoplastic Syndromes, Hereditary; Hereditary Cancer Syndrome; Tumor predisposition. Identifiers: Orphanet 140162, MedGen C0027672, MeSH D009386, MONDO:0015356.
Lynch syndrome. Identifiers: Orphanet 144, MedGen C4552100, MONDO:0005835. Disease mechanism: loss of function.
Lynch syndrome 5 (LYNCH5). Also called: Colorectal cancer, hereditary nonpolyposis, type 5; Hereditary non-polyposis colorectal cancer, type 5. Identifiers: Orphanet 144, MedGen C1833477, MONDO:0013710, OMIM 614350. Disease mechanism: loss of function.
Endometrial carcinoma. Also called: Endometrial carcinoma, somatic. Identifiers: MedGen C0476089, MONDO:0002447, OMIM 608089, HP:0012114.
Mismatch repair cancer syndrome 1 (MMRCS1). Also called: CHILDHOOD CANCER SYNDROME; BRAIN TUMOR-POLYPOSIS SYNDROME 1; BTP1 SYNDROME; MISMATCH REPAIR DEFICIENCY; MMR DEFICIENCY. Identifiers: Orphanet 252202, MedGen C5399763, MONDO:0010159, OMIM 276300. Disease mechanism: loss of function.

Submissions (10):

Genomics and Molecular Medicine Service, East Genomic Laboratory Hub, NHS Genomic Medicine Service
Classification: Pathogenic for Inherited polyposis and early onset colorectal cancer - germline testing. Last evaluated: 2026-07-29. Review status: criteria provided, single submitter. Criteria: ACGS Best Practice Guidelines for Variant Classification in Rare Disease 2020. Collection method: clinical testing. Allele origin: germline. Affected: yes.
Comment: PVS1,PM2_Supporting,PM3_Supporting

Ambry Genetics
Classification: Pathogenic for Hereditary cancer-predisposing syndrome. Last evaluated: 2025-08-06. Review status: criteria provided, single submitter. Criteria: Ambry Variant Classification Scheme 2023. Collection method: clinical testing. Allele origin: germline.
Comment: The c.3633dupT pathogenic mutation, located in coding exon 7 of the MSH6 gene, results from a duplication of T at nucleotide position 3633, causing a translational frameshift with a predicted alternate stop codon (p.V1212Cfs*3). This variant has been identified in the homozygous state in an individual with features consistent with MSH6-related constitutional mismatch repair deficiency (CMMRD) including a history of glioblastoma and T-cell lymphoma (Bakry D et al. Eur. J. Cancer. 2014 Mar;50:987-96; Shlien A et al. Nat. Genet. 2015 Mar;47:257-62). Note, this variant is also referred to as c.3633insT in the literature. This alteration is expected to result in loss of function by premature protein truncation or nonsense-mediated mRNA decay. As such, this alteration is interpreted as a disease-causing mutation.

Labcorp Genetics (formerly Invitae), Labcorp
Classification: Pathogenic for Hereditary nonpolyposis colorectal neoplasms. Last evaluated: 2025-02-26. Review status: criteria provided, single submitter. Criteria: Invitae Variant Classification Sherloc (09022015). Collection method: clinical testing. Allele origin: germline.
Comment: This sequence change creates a premature translational stop signal (p.Val1212Cysfs*3) in the MSH6 gene. It is expected to result in an absent or disrupted protein product. Loss-of-function variants in MSH6 are known to be pathogenic (PMID: 18269114, 24362816). This variant is present in population databases (rs762783821, gnomAD 0.003%). This premature translational stop signal has been observed in individual(s) with constitutional mismatch repair deficiency syndrome (PMID: 16000562). ClinVar contains an entry for this variant (Variation ID: 8941). For these reasons, this variant has been classified as Pathogenic.

Baylor Genetics
Classification: Pathogenic for Endometrial carcinoma. Last evaluated: 2024-02-14. Review status: criteria provided, single submitter. Criteria: ACMG Guidelines, 2015. Collection method: clinical testing. Allele origin: unknown.

All of Us Research Program, National Institutes of Health
Classification: Pathogenic for Lynch syndrome. Last evaluated: 2023-11-14. Review status: criteria provided, single submitter. Criteria: ACMG Guidelines, 2015. Collection method: clinical testing. Allele origin: germline. Inheritance: Autosomal dominant inheritance. Observed: 1 variant allele, 1 heterozygote.
Comment: The c.3633dup (p.Val1212Cysfs*3) variant in the MSH6 gene is located on the exon 7 and is predicted to cause shift of reading frame that introduces a premature translation termination codon (p.Val1212Cysfs*3), resulting in an absent or disrupted protein product. The variant has been reported in individuals with constitutional mismatch repair deficiency syndrome in recessive condition (PMID: 31501241, 24440087). Loss-of-function variants of MSH6 are known to be pathogenic (PMID: 30376427, 18269114, 29345684). Immunohistochemistry analysis and MMR activity assay from patient cells showed negative functional impact of this variant (PMID: 30608896). The variant is reported in ClinVar (ID: 8941). The variant is rare in the general population according to gnomAD (1/251416). Therefore, the c.3633dup (p.Val1212Cysfs*3) variant of MSH6 has been classified as pathogenic.

This study involves interpretation of variants in research participants for the purpose of population health screening. Participant phenotype was not available at the time of variant classification. Additional details can be found in publication PMID: 35346344, PMCID: PMC8962531

Myriad Genetics, Inc.
Classification: Pathogenic for Lynch syndrome 5. Last evaluated: 2023-08-24. Review status: criteria provided, single submitter. Criteria: Myriad Autosomal Dominant, Autosomal Recessive and X-Linked Classification Criteria (2023). Collection method: clinical testing. Allele origin: unknown.
Comment: This variant is considered pathogenic. This variant creates a frameshift predicted to result in premature protein truncation.

Color Diagnostics, LLC DBA Color Health
Classification: Pathogenic for Hereditary cancer-predisposing syndrome. Last evaluated: 2020-04-01. Review status: criteria provided, single submitter. Criteria: ACMG Guidelines, 2015. Collection method: clinical testing. Allele origin: germline.
Comment: This variant inserts 1 nucleotide in exon 7 of the MSH6 gene, creating a frameshift and premature translation stop signal. This variant is expected to result in an absent or non-functional protein product. To our knowledge, this variant has not been reported in individuals affected with hereditary cancer in the literature. This variant has been identified in 1/251416 chromosomes in the general population by the Genome Aggregation Database (gnomAD). Loss of MSH6 function is a known mechanism of disease. Based on the available evidence, this variant is classified as Pathogenic.

Quest Diagnostics Nichols Institute San Juan Capistrano
Classification: Pathogenic. Last evaluated: 2017-05-31. Review status: criteria provided, single submitter. Criteria: Quest Diagnostics criteria. Collection method: clinical testing. Allele origin: germline.

OMIM
Classification: Pathogenic for MISMATCH REPAIR CANCER SYNDROME 3. Last evaluated: 2005-07-01. Review status: no assertion criteria provided. Collection method: literature only. Allele origin: germline. Not counted in ClinVar's aggregate classification.

Department of Pathology and Laboratory Medicine, Sinai Health System
Classification: Pathogenic for Endometrial carcinoma. Review status: no assertion criteria provided. Collection method: clinical testing. Allele origin: unknown. Affected: yes. Study: The Canadian Open Genetics Repository (COGR). Not counted in ClinVar's aggregate classification.
Comment: The MSH6 p.Val1212Cysfs*3 variant was identified in the literature, although the frequency in an affected population was not provided (Hegde 2005, Durno 2010). The variant was identified in homozygous state in two children with Turcot Syndrome; both parents were found to be heterozygous for the same variant and did not have any cancer diagnoses (Hegde 2005). The variant was also identified in dbSNP (ID: rs587776706 as "With Pathogenic allele") and ClinVar (classified as pathogenic by two submitters) and was not identified in UMD-LSDB database. The variant was not identified in the following control databases: the Exome Aggregation Consortium (August 8th 2016) or the Genome Aggregation Database (Feb 27, 2017). The c.3633dup variant is predicted to cause a frameshift, which alters the protein's amino acid sequence beginning at codon 1212 and leads to a premature stop codon at position 1214. This alteration is then predicted to result in a truncated or absent protein and loss of function. Loss of function variants of the MSH6 gene are an established mechanism of disease in Lynch syndrome and is the type of variant expected to cause the disorder. In summary, based on the above information, this variant meets our laboratoryâ€šÃ„Ã´s criteria to be classified as pathogenic.

Literature cited by the submitters: PubMed 16000562 (cited by 4 submitters); PubMed 20531397 (cited by Ambry Genetics and Quest Diagnostics Nichols Institute San Juan Capistrano); PubMed 24440087 (cited by 3 submitters); PubMed 25642631 (cited by Ambry Genetics); PubMed 18269114 (cited by Labcorp Genetics (formerly Invitae), Labcorp and All of Us Research Program, National Institutes of Health); PubMed 24362816 (cited by Labcorp Genetics (formerly Invitae), Labcorp); PubMed 29345684 (cited by All of Us Research Program, National Institutes of Health); PubMed 30376427 (cited by All of Us Research Program, National Institutes of Health); PubMed 30608896 (cited by All of Us Research Program, National Institutes of Health); PubMed 31501241 (cited by All of Us Research Program, National Institutes of Health).